The following is an entry in ClinVar:

NM_001613.4(ACTA2):c.1003C>G (p.Pro335Ala)

Genes: ACTA2-AS1 (ACTA2 antisense RNA 1; plus strand), ACTA2 (actin alpha 2, smooth muscle; minus strand). Cytogenetic location: 10q23.31.
Variant type: single nucleotide variant.
Coding change: c.1003C>G on transcript NM_001613.4 (MANE Select); coding-DNA position 1003, C replaced by G.
Protein change: p.Pro335Ala; replaces proline 335 with alanine.
Molecular consequence: missense variant. On other transcripts: non-coding transcript variant (1).
Genome position (GRCh38, 1-based): chr10:88,935,354, G>C on the plus strand (C>G on the coding strand, the complement: ACTA2 is on the minus strand). VCF-style: chr10-88935354-G-C. GRCh37 (hg19) VCF-style: chr10-90695111-G-C.
Other names: c.1003C>G, p.Pro335Ala (NM_001141945.3, NM_001320855.2, NM_001406462.1 and 2 more transcripts); c.892C>G, p.Pro298Ala (NM_001406466.1); c.874C>G, p.Pro292Ala (NM_001406467.1, NM_001406468.1, NM_001406469.1); c.811C>G, p.Pro271Ala (NM_001406471.1); short protein forms P335A, P292A, P271A, P298A.
Identifiers: ClinVar variation 374148 (VCV000374148.6), dbSNP rs1057518929, ClinGen allele CA16043452.
Genomic context (GRCh38, chr10:88,935,354, plus strand): 5'-GGAAGGTGGACAGAGAGGCCAGGATGGAGCCACCGATCCAGACAGAGTATTTGCGCTCCG[G>C]AGGGGCAATGATCTGTCAGTCAAGATGAAAAAGAATGGTCATTAATGTCATCATTAGTGC-3'
Protein context (NP_001604.1, residues 325-345): STMKIKIIAP[Pro335Ala]ERKYSVWIGG

ClinVar aggregate classification (germline): Uncertain significance. Review status: criteria provided, multiple submitters, no conflicts (2 of 4 stars). 3 submissions from 3 submitters: Uncertain significance (3). Last evaluated 2025-09-24.

Conditions:
Aortic aneurysm, familial thoracic 6 (AAT6). Also called: FAMILIAL THORACIC AORTIC ANEURYSM WITH LIVEDO RETICULARIS AND IRIS FLOCCULI. Identifiers: MedGen C2673186, MONDO:0012730, OMIM 611788.
Arterial tortuosity. Identifiers: MedGen C3279191, HP:0005116.
Aneurysm of descending aorta. Identifiers: MedGen C0856750.

gnomAD v4.1: 1 of 1,613,872 alleles (0.000062%); highest among the groups gnomAD compares: Non-Finnish European, 0.000085%; no homozygotes.

Submissions (3):

Labcorp Genetics (formerly Invitae), Labcorp
Classification: Uncertain significance for Aortic aneurysm, familial thoracic 6. Last evaluated: 2025-09-24. Review status: criteria provided, single submitter. Criteria: Invitae Variant Classification Sherloc (09022015). Collection method: clinical testing. Allele origin: germline.
Comment: This sequence change replaces proline, which is neutral and non-polar, with alanine, which is neutral and non-polar, at codon 335 of the ACTA2 protein (p.Pro335Ala). This variant is not present in population databases (gnomAD no frequency). This missense change has been observed in individual(s) with clinical features of ACTA2-related conditions (internal data). ClinVar contains an entry for this variant (Variation ID: 374148). Invitae Evidence Modeling of protein sequence and biophysical properties (such as structural, functional, and spatial information, amino acid conservation, physicochemical variation, residue mobility, and thermodynamic stability) indicates that this missense variant is not expected to disrupt ACTA2 protein function with a negative predictive value of 80%. This variant disrupts the p.Pro335 amino acid residue in ACTA2. Other variant(s) that disrupt this residue have been observed in individuals with ACTA2-related conditions (PMID: 34437965; internal data), which suggests that this may be a clinically significant amino acid residue. In summary, the available evidence is currently insufficient to determine the role of this variant in disease. Therefore, it has been classified as a Variant of Uncertain Significance.

GeneDx
Classification: Uncertain significance. Last evaluated: 2015-12-17. Review status: criteria provided, single submitter. Criteria: GeneDx Variant Classification (06012015). Collection method: clinical testing. Allele origin: germline. Affected: yes.
Comment: A novel variant of uncertain significance has been identified in the ACTA2 gene. The P335A variant has not been published as a pathogenic variant, nor has it been reported as a benign variant to our knowledge. This variant was not observed in approximately 6,500 individuals of European and African American ancestry in the NHLBI Exome Sequencing Project, indicating it is not a common benign variant in these populations. The P335A variant is a semi-conservative amino acid substitution, which may impact secondary protein structure as these residues differ in some properties. This substitution occurs at a position that is conserved across species and in silico analysis predicts this variant is probably damaging to the protein structure/function. Missense variants in nearby residues (K328N, T326N) have been reported in the Human Gene Mutation Database in association with TAAD (Stenson et al., 2014), supporting the functional importance of this region of the protein.

Centre for Mendelian Genomics, University Medical Centre Ljubljana
Classification: Uncertain significance for Arterial tortuosity. Last evaluated: 2014-11-28. Review status: criteria provided, single submitter. Criteria: ACMG Guidelines, 2015. Collection method: clinical testing. Allele origin: unknown. Affected: yes.

Literature cited by the submitters: PubMed 34437965 (cited by Labcorp Genetics (formerly Invitae), Labcorp).